The following is an entry in ClinVar:

ClinVar aggregate classification (germline): Uncertain significance. Review status: criteria provided, multiple submitters, no conflicts (2 of 4 stars). 2 submissions from 2 submitters: Uncertain significance (2). Last evaluated 2025-10-15.

Conditions:
Long QT syndrome (LQTS). Identifiers: MedGen C0023976, MeSH D008133, MONDO:0002442. Disease mechanism: loss of function. Inheritance: Various modes of inheritance.
Cardiovascular phenotype. Identifiers: MedGen CN230736.

Allele frequency attached by ClinVar (database versions not stated): gnomAD exomes 0.00001; ESP Exome Variant Server 0.00008.
gnomAD v4.1: 12 of 1,612,970 alleles (0.00074%); highest among the groups gnomAD compares: Non-Finnish European, 0.00085%; no homozygotes.

Submissions (2):

Labcorp Genetics (formerly Invitae), Labcorp
Classification: Uncertain significance for Long QT syndrome. Last evaluated: 2025-10-15. Review status: criteria provided, single submitter. Criteria: Invitae Variant Classification Sherloc (09022015). Collection method: clinical testing. Allele origin: germline.
Comment: This sequence change replaces alanine, which is neutral and non-polar, with aspartic acid, which is acidic and polar, at codon 609 of the AKAP9 protein (p.Ala609Asp). This variant is not present in population databases (gnomAD no frequency). This missense change has been observed in individual(s) with clinical features of long QT syndrome (PMID: 30847666). ClinVar contains an entry for this variant (Variation ID: 1017232). An algorithm developed to predict the effect of missense changes on protein structure and function (PolyPhen-2) suggests that this variant is likely to be disruptive. In summary, the available evidence is currently insufficient to determine the role of this variant in disease. Therefore, it has been classified as a Variant of Uncertain Significance.

Ambry Genetics
Classification: Uncertain significance for Cardiovascular phenotype. Last evaluated: 2022-08-02. Review status: criteria provided, single submitter. Criteria: Ambry Variant Classification Scheme 2023. Collection method: clinical testing. Allele origin: germline.
Comment: The p.A609D variant (also known as c.1826C>A), located in coding exon 8 of the AKAP9 gene, results from a C to A substitution at nucleotide position 1826. The alanine at codon 609 is replaced by aspartic acid, an amino acid with dissimilar properties. This amino acid position is highly conserved in available vertebrate species. In addition, the in silico prediction for this alteration is inconclusive. The evidence for this gene-disease relationship is limited; therefore, the clinical significance of this alteration is unclear.

Literature cited by the submitters: PubMed 30847666 (cited by Labcorp Genetics (formerly Invitae), Labcorp).

NM_005751.5(AKAP9):c.1826C>A (p.Ala609Asp)

Gene: AKAP9 (A-kinase anchoring protein 9; plus strand). Cytogenetic location: 7q21.2.
Variant type: single nucleotide variant.
Coding change: c.1826C>A on transcript NM_005751.5 (MANE Select); coding-DNA position 1826, C replaced by A.
Protein change: p.Ala609Asp; replaces alanine 609 with aspartic acid.
Molecular consequence: missense variant.
Genome position (GRCh38, 1-based): chr7:92,001,743, C>A. VCF-style: chr7-92001743-C-A. GRCh37 (hg19) VCF-style: chr7-91631057-C-A.
Other names: c.1826C>A, p.Ala609Asp (NM_147185.3); short protein forms A609D.
Identifiers: ClinVar variation 1017232 (VCV001017232.8), dbSNP rs140973676, ClinGen allele CA161907424.
Genomic context (GRCh38, chr7:92,001,743, plus strand): 5'-ATGAAGCAGAAGTTACAAATTACAAGATAAAACTTGAAATGTTAGAAAAAGAAAAGAATG[C>A]TGTGTTAGACAGAATGGCTGAATCACAAGAAGCTGAATTAGAGAGGCTGAGAACACAGCT-3'
Protein context (NP_005742.4, residues 599-619): KLEMLEKEKN[Ala609Asp]VLDRMAESQE